The following is an entry in ClinVar:

ClinVar aggregate classification (germline): Uncertain significance (1 of 4 stars; one submission).

Submission:

Labcorp Genetics (formerly Invitae), Labcorp
Classification: Uncertain significance. Last evaluated: 2020-11-27. Review status: criteria provided, single submitter. Criteria: Invitae Variant Classification Sherloc (09022015). Collection method: clinical testing. Allele origin: germline.
Comment: In summary, the available evidence is currently insufficient to determine the role of this variant in disease. Therefore, it has been classified as a Variant of Uncertain Significance. Experimental studies and prediction algorithms are not available or were not evaluated, and the functional significance of this variant is currently unknown. This variant has not been reported in the literature in individuals with EXOSC2-related conditions. The frequency data for this variant in the population databases is not available, as this variant may be reported as separate entries in the ExAC database. This sequence change replaces methionine with isoleucine at codon 40 of the EXOSC2 protein (p.Met40Ile). The methionine residue is highly conserved and there is a small physicochemical difference between methionine and isoleucine.

NM_014285.7(EXOSC2):c.120_121delinsAA (p.Met40Ile)

Genes: EXOSC2 (exosome component 2; plus strand), LOC130002815 (ATAC-STARR-seq lymphoblastoid active region 29156; plus strand). Cytogenetic location: 9q34.12.
Variant type: Indel.
Coding change: c.120_121delinsAA on transcript NM_014285.7 (MANE Select); coding-DNA positions 120 to 121, GC replaced by AA.
Protein change: p.Met40Ile; replaces methionine 40 with isoleucine.
Molecular consequence: missense variant. On other transcripts: non-coding transcript variant (1).
Genome position (GRCh38, 1-based): chr9:130,693,911-130,693,912, GC replaced by AA. VCF-style: chr9-130693911-GC-AA. GRCh37 (hg19) VCF-style: chr9-133569298-GC-AA.
Other names: c.120_121delinsAA, p.Met40Ile (NM_001282708.1, NM_001282709.1); short protein forms M40I.
Identifiers: ClinVar variation 1493983 (VCV001493983.6), dbSNP rs2132623245, ClinGen allele CA2573144071.